The following is an entry in ClinVar:

NM_000179.3(MSH6):c.2932C>T (p.Gln978Ter)

Gene: MSH6 (mutS homolog 6; plus strand). Cytogenetic location: 2p16.3.
Variant type: single nucleotide variant.
Coding change: c.2932C>T on transcript NM_000179.3 (MANE Select); coding-DNA position 2932, C replaced by T.
Protein change: p.Gln978Ter; replaces glutamine 978 with a stop codon.
Molecular consequence: nonsense.
Genome position (GRCh38, 1-based): chr2:47,800,915, C>T. VCF-style: chr2-47800915-C-T. GRCh37 (hg19) VCF-style: chr2-48028054-C-T.
Other names: c.2542C>T, p.Gln848Ter (NM_001281492.2); c.2026C>T, p.Gln676Ter (NM_001281493.2, NM_001281494.2); short protein forms Q978*, Q848*, Q676*.
Identifiers: ClinVar variation 140922 (VCV000140922.44), dbSNP rs587781372, ClinGen allele CA011127.

ClinVar aggregate classification (germline): Pathogenic. Review status: criteria provided, multiple submitters, no conflicts (2 of 4 stars). 8 submissions from 8 submitters: Pathogenic (7). 1 of the submissions does not count toward it. Last evaluated 2025-06-25.

Conditions:
Hereditary nonpolyposis colorectal neoplasms. Identifiers: MedGen C0009405, MeSH D003123.
Hereditary cancer-predisposing syndrome. Also called: Tumor predisposition; Hereditary neoplastic syndrome; Hereditary Cancer Syndrome; Neoplastic Syndromes, Hereditary. Identifiers: Orphanet 140162, MedGen C0027672, MeSH D009386, MONDO:0015356.
Lynch syndrome 5 (LYNCH5). Also called: Hereditary non-polyposis colorectal cancer, type 5; Colorectal cancer, hereditary nonpolyposis, type 5. Identifiers: Orphanet 144, MedGen C1833477, MONDO:0013710, OMIM 614350. Disease mechanism: loss of function.

Submissions (8):

Quest Diagnostics Nichols Institute San Juan Capistrano
Classification: Pathogenic. Last evaluated: 2025-06-25. Review status: criteria provided, single submitter. Criteria: Quest Diagnostics criteria. Collection method: clinical testing. Allele origin: unknown.
Comment: The MSH6 c.2932C>T (p.Gln978*) variant causes the premature termination of MSH6 protein synthesis. This variant has been reported in the published literature in individuals with Lynch syndrome-associated cancers and/or polyps (PMID: 36243179 (2022), 32844218 (2021), 28514183 (2017), 24506336 (2014), 24100870 (2013)). This variant has not been reported in large, multi-ethnic general populations (Genome Aggregation Database). Based on the available information, this variant is classified as pathogenic.

Molecular Diagnostics Laboratory, Catalan Institute of Oncology
Classification: Pathogenic for Hereditary cancer-predisposing syndrome. Last evaluated: 2024-12-17. Review status: criteria provided, single submitter. Criteria: MMR VCEP Paper Draft V3.1. Collection method: clinical testing. Allele origin: germline.
Comment: PVS1, PM2_Supporting, PP4_Strong c.2932C>T, located in exon 4 of the MSH6 gene, is expected to result in loss of function by premature protein truncation before codon 1341 (p.(Gln978*)) (PVS1). It is not present in the population database gnomAD v2.1.1, non cancer dataset (PM2_supporting). The SpliceAI algorithm predicts no significant impact on splicing. To our knowledge, functional studies have not been performed for this variant. The variant has been reported in ClinVar database (1x likley pathogenic, 5x pathogenic), but it has not been reported in InSiGHT nor in LOVD databases. Based on currently available information, the variant c.2932C>T should be considered a pathogenic variant.

Labcorp Genetics (formerly Invitae), Labcorp
Classification: Pathogenic for Hereditary nonpolyposis colorectal neoplasms. Last evaluated: 2024-07-10. Review status: criteria provided, single submitter. Criteria: Invitae Variant Classification Sherloc (09022015). Collection method: clinical testing. Allele origin: germline.
Comment: This sequence change creates a premature translational stop signal (p.Gln978*) in the MSH6 gene. It is expected to result in an absent or disrupted protein product. Loss-of-function variants in MSH6 are known to be pathogenic (PMID: 18269114, 24362816). This variant is not present in population databases (gnomAD no frequency). This premature translational stop signal has been observed in individual(s) with clinical features of Lynch syndrome (PMID: 24100870). ClinVar contains an entry for this variant (Variation ID: 140922). For these reasons, this variant has been classified as Pathogenic.

CeGaT Center for Human Genetics Tuebingen
Classification: Pathogenic. Last evaluated: 2024-02-01. Review status: criteria provided, single submitter. Criteria: CeGaT Center For Human Genetics Tuebingen Variant Classification Criteria Version 2. Collection method: clinical testing. Allele origin: germline. Affected: yes. Observed: 1 variant allele.
Comment: MSH6: PVS1, PM2, PS4:Moderate

Myriad Genetics, Inc.
Classification: Pathogenic for Lynch syndrome 5. Last evaluated: 2023-08-21. Review status: criteria provided, single submitter. Criteria: Myriad Autosomal Dominant, Autosomal Recessive and X-Linked Classification Criteria (2023). Collection method: clinical testing. Allele origin: unknown.
Comment: This variant is considered pathogenic. This variant creates a termination codon and is predicted to result in premature protein truncation.

Ambry Genetics
Classification: Pathogenic for Hereditary cancer-predisposing syndrome. Last evaluated: 2022-07-26. Review status: criteria provided, single submitter. Criteria: Ambry Variant Classification Scheme 2023. Collection method: clinical testing. Allele origin: germline.
Comment: The p.Q978* pathogenic mutation (also known as c.2932C>T), located in coding exon 4 of the MSH6 gene, results from a C to T substitution at nucleotide position 2932. This changes the amino acid from a glutamine to a stop codon within coding exon 4. This pathogenic mutation has been reported in individuals with a personal and family history of Lynch syndrome related cancers (Terui H et al. Oncol. Rep. 2013 Dec; 30(6):2909-16; Cragun D et al. Clin. Genet. 2014 Dec; 86(6):510-20). In addition to the clinical data presented in the literature, this alteration is expected to result in loss of function by premature protein truncation or nonsense-mediated mRNA decay. As such, this alteration is interpreted as a disease-causing mutation.

GeneDx
Classification: Pathogenic. Last evaluated: 2021-11-26. Review status: criteria provided, single submitter. Criteria: GeneDx Variant Classification Process June 2021. Collection method: clinical testing. Allele origin: germline. Affected: yes.
Comment: Nonsense variant predicted to result in protein truncation or nonsense mediated decay in a gene for which loss-of-function is a known mechanism of disease; Not observed at significant frequency in large population cohorts (Lek et al., 2016); Truncating variants in this gene are considered pathogenic by a well-established clinical consortium and/or database; Observed in individuals with MSH6-related cancers (Terui et al., 2013; Cragun et al., 2014); This variant is associated with the following publications: (PMID: 28152038, 24506336, 24100870)

Mayo Clinic Laboratories, Mayo Clinic
Classification: Likely pathogenic. Review status: no assertion criteria provided. Collection method: research. Allele origin: unknown. Observed: 1 variant allele. Not counted in ClinVar's aggregate classification.

Literature cited by the submitters: PubMed 24506336 (cited by Quest Diagnostics Nichols Institute San Juan Capistrano and Ambry Genetics); PubMed 32844218 (cited by Quest Diagnostics Nichols Institute San Juan Capistrano); PubMed 28514183 (cited by Quest Diagnostics Nichols Institute San Juan Capistrano); PubMed 36243179 (cited by Quest Diagnostics Nichols Institute San Juan Capistrano); PubMed 24100870 (cited by 3 submitters); PubMed 18269114 (cited by Labcorp Genetics (formerly Invitae), Labcorp); PubMed 24362816 (cited by Labcorp Genetics (formerly Invitae), Labcorp).